The following is an entry in ClinVar:

NM_014845.6(FIG4):c.395T>G (p.Met132Arg)

Gene: FIG4 (FIG4 phosphoinositide 5-phosphatase; plus strand). Cytogenetic location: 6q21.
Variant type: single nucleotide variant.
Coding change: c.395T>G on transcript NM_014845.6 (MANE Select); coding-DNA position 395, T replaced by G.
Protein change: p.Met132Arg; replaces methionine 132 with arginine.
Molecular consequence: missense variant.
Genome position (GRCh38, 1-based): chr6:109,727,214, T>G. VCF-style: chr6-109727214-T-G. GRCh37 (hg19) VCF-style: chr6-110048417-T-G.
Other names: short protein forms M132R.
Identifiers: ClinVar variation 1958812 (VCV001958812.5), dbSNP rs2486106532, ClinGen allele CA365217203.

ClinVar aggregate classification (germline): Uncertain significance (1 of 4 stars; one submission).

Conditions:
Charcot-Marie-Tooth disease type 4. Also called: Charcot-Marie-Tooth disease, type IV; Charcot-Marie-Tooth, Type 4. Identifiers: Orphanet 64749, MedGen C4082197, MONDO:0018995.

Submission:

Labcorp Genetics (formerly Invitae), Labcorp
Classification: Uncertain significance for Charcot-Marie-Tooth disease type 4. Last evaluated: 2023-08-04. Review status: criteria provided, single submitter. Criteria: Invitae Variant Classification Sherloc (09022015). Collection method: clinical testing. Allele origin: germline.
Comment: This variant has not been reported in the literature in individuals affected with FIG4-related conditions. This variant is not present in population databases (gnomAD no frequency). This sequence change replaces methionine, which is neutral and non-polar, with arginine, which is basic and polar, at codon 132 of the FIG4 protein (p.Met132Arg). ClinVar contains an entry for this variant (Variation ID: 1958812). In summary, the available evidence is currently insufficient to determine the role of this variant in disease. Therefore, it has been classified as a Variant of Uncertain Significance. An algorithm developed to predict the effect of missense changes on protein structure and function (PolyPhen-2) suggests that this variant is likely to be disruptive.